The following is an entry in ClinVar:

ClinVar aggregate classification (germline): Uncertain significance. Review status: criteria provided, multiple submitters, no conflicts (2 of 4 stars). 2 submissions from 2 submitters: Uncertain significance (2). Last evaluated 2025-11-29.

gnomAD v4.1: 12 of 1,614,132 alleles (0.00074%); highest among the groups gnomAD compares: East Asian, 0.0022%; no homozygotes.

Submissions (2):

Labcorp Genetics (formerly Invitae), Labcorp
Classification: Uncertain significance. Last evaluated: 2025-11-29. Review status: criteria provided, single submitter. Criteria: Invitae Variant Classification Sherloc (09022015). Collection method: clinical testing. Allele origin: germline.
Comment: This sequence change replaces glutamic acid, which is acidic and polar, with lysine, which is basic and polar, at codon 56 of the FAT2 protein (p.Glu56Lys). This variant is present in population databases (rs569701735, gnomAD 0.003%). This variant has not been reported in the literature in individuals affected with FAT2-related conditions. ClinVar contains an entry for this variant (Variation ID: 4023190). An algorithm developed to predict the effect of missense changes on protein structure and function (PolyPhen-2) suggests that this variant is likely to be tolerated. In summary, the available evidence is currently insufficient to determine the role of this variant in disease. Therefore, it has been classified as a Variant of Uncertain Significance.

Ambry Genetics
Classification: Uncertain significance. Last evaluated: 2025-06-07. Review status: criteria provided, single submitter. Criteria: Ambry Variant Classification Scheme 2023. Collection method: clinical testing. Allele origin: germline.

NM_001447.3(FAT2):c.166G>A (p.Glu56Lys)

Gene: FAT2 (FAT atypical cadherin 2; minus strand). Cytogenetic location: 5q33.1.
Variant type: single nucleotide variant.
Coding change: c.166G>A on transcript NM_001447.3 (MANE Select); coding-DNA position 166, G replaced by A.
Protein change: p.Glu56Lys; replaces glutamic acid 56 with lysine.
Molecular consequence: missense variant.
Genome position (GRCh38, 1-based): chr5:151,568,766, C>T on the plus strand (G>A on the coding strand, the complement: FAT2 is on the minus strand). VCF-style: chr5-151568766-C-T. GRCh37 (hg19) VCF-style: chr5-150948327-C-T.
Other names: short protein forms E56K.
Identifiers: ClinVar variation 4023190 (VCV004023190.2).